The following is an entry in ClinVar:

ClinVar aggregate classification (germline): Uncertain significance (1 of 4 stars; one submission).

Submission:

Labcorp Genetics (formerly Invitae), Labcorp
Classification: Uncertain significance. Last evaluated: 2021-11-08. Review status: criteria provided, single submitter. Criteria: Invitae Variant Classification Sherloc (09022015). Collection method: clinical testing. Allele origin: germline.
Comment: In summary, the available evidence is currently insufficient to determine the role of this variant in disease. Therefore, it has been classified as a Variant of Uncertain Significance. Experimental studies and prediction algorithms are not available or were not evaluated, and the functional significance of this variant is currently unknown. This variant has not been reported in the literature in individuals affected with RNU4ATAC-related conditions. This variant is not present in population databases (gnomAD no frequency). This variant occurs in the RNU4ATAC gene, which encodes an RNA molecule that does not result in a protein product.

NR_023343.3(RNU4ATAC):n.122delT

Genes: CLASP1 (cytoplasmic linker associated protein 1; minus strand), CLASP1-AS1 (CLASP1 antisense RNA 1; plus strand), RNU4ATAC (RNA, U4atac small nuclear; plus strand). Cytogenetic location: 2q14.2.
Variant type: Deletion.
Molecular consequence: intron variant (on NM_001395891.1).
Genome position: GRCh38 VCF-style: chr2-121530996-AT-A. GRCh37 (hg19) VCF-style: chr2-122288572-AT-A.
Other names: c.196-672del (NM_001142274.2, NM_015282.3, NM_001378003.1 and 5 more transcripts).
Identifiers: ClinVar variation 1515314 (VCV001515314.7), dbSNP rs1381146456, ClinGen allele CA2573133152.